The following is an entry in ClinVar:

ClinVar aggregate classification (germline): Benign/Likely benign. Review status: criteria provided, multiple submitters, no conflicts (2 of 4 stars). 3 submissions from 3 submitters: Benign (2); Likely benign (1). Last evaluated 2022-08-01.

Allele frequency attached by ClinVar (database versions not stated): 1000 Genomes Project 30x 0.00187; 1000 Genomes Project 0.00200; TOPMed 0.00397; gnomAD exomes 0.00403 and 0.00645; gnomAD 0.00462 and 0.00466; ESP Exome Variant Server 0.00477; ExAC 0.00645.
gnomAD v4.1: 9,967 of 1,585,216 alleles (0.63%); highest among the groups gnomAD compares: Non-Finnish European, 0.76%; 29 homozygotes.

Submissions (3):

CeGaT Center for Human Genetics Tuebingen
Classification: Likely benign. Last evaluated: 2022-08-01. Review status: criteria provided, single submitter. Criteria: CeGaT Center For Human Genetics Tuebingen Variant Classification Criteria Version 2. Collection method: clinical testing. Allele origin: germline. Affected: yes. Observed: 1 variant allele.
Comment: ANKRD2: BP4

Labcorp Genetics (formerly Invitae), Labcorp
Classification: Benign. Last evaluated: 2019-12-31. Review status: criteria provided, single submitter. Criteria: Invitae Variant Classification Sherloc (09022015). Collection method: clinical testing. Allele origin: germline.

Breakthrough Genomics
Classification: Benign. Review status: criteria provided, single submitter. Criteria: ACMG Guidelines, 2015. Collection method: not provided. Allele origin: germline. Inheritance: Unknown mechanism. Affected: yes.

NM_001346793.2(ANKRD2):c.356C>T (p.Pro119Leu)

Gene: ANKRD2 (ankyrin repeat domain 2; plus strand). Cytogenetic location: 10q24.2.
Variant type: single nucleotide variant.
Coding change: c.356C>T on transcript NM_001346793.2 (MANE Select); coding-DNA position 356, C replaced by T.
Protein change: p.Pro119Leu; replaces proline 119 with leucine.
Molecular consequence: missense variant.
Genome position (GRCh38, 1-based): chr10:97,578,505, C>T. VCF-style: chr10-97578505-C-T. GRCh37 (hg19) VCF-style: chr10-99338262-C-T.
Other names: c.437C>T, p.Pro146Leu (NM_001129981.3, NM_020349.4); c.695C>T, p.Pro232Leu (NM_001291218.2); c.356C>T, p.Pro119Leu (NM_001291219.3); short protein forms P119L, P146L, P232L.
Identifiers: ClinVar variation 774685 (VCV000774685.29), dbSNP rs36020819, ClinGen allele CA5633590.